The following is an entry in ClinVar:

ClinVar aggregate classification (germline): Pathogenic (1 of 4 stars; one submission).

Conditions:
Atypical hemolytic-uremic syndrome. Identifiers: Orphanet 2134, MedGen C2931788, MONDO:0016244.

gnomAD v4.1: 1 of 1,614,150 alleles (0.000062%); highest among the groups gnomAD compares: Admixed American, 0.0017%; no homozygotes.

Submission:

Genomenon, Inc
Classification: Pathogenic for Atypical hemolytic-uremic syndrome. Last evaluated: 2025-10-02. Review status: criteria provided, single submitter. Criteria: Genomenon Sequence Variant Interpretation Standards - Updated. Collection method: curation. Allele origin: germline. Affected: yes.
Comment: CFH p.Tyr1016Ter (c.3048C>A) is a nonsense variant that introduces a premature stop codon at amino acid position 1016, creating a truncated protein that is predicted to undergo nonsense-mediated mRNA decay. This variant has been observed in at least one proband affected with atypical hemolytic-uremic syndrome (PMID:29500241;27799617). It is absent or not present at a significant frequency in gnomAD. In conclusion, we classify CFH p.Tyr1016Ter (c.3048C>A) as a pathogenic variant.

Literature cited by the submitters: PubMed 29500241; PubMed 27799617.

NM_000186.4(CFH):c.3048C>A (p.Tyr1016Ter)

Gene: CFH (complement factor H; plus strand). Cytogenetic location: 1q31.3.
Variant type: single nucleotide variant.
Coding change: c.3048C>A on transcript NM_000186.4 (MANE Select); coding-DNA position 3048, C replaced by A.
Protein change: p.Tyr1016Ter; replaces tyrosine 1016 with a stop codon.
Molecular consequence: nonsense.
Genome position (GRCh38, 1-based): chr1:196,741,966, C>A. VCF-style: chr1-196741966-C-A. GRCh37 (hg19) VCF-style: chr1-196711096-C-A.
Other names: short protein forms Y1016*.
Identifiers: ClinVar variation 4291532 (VCV004291532.1).